The following is an entry in ClinVar:

NM_024675.4(PALB2):c.546del (p.Ser183fs)

Gene: PALB2 (partner and localizer of BRCA2; minus strand). Cytogenetic location: 16p12.2.
Variant type: Deletion.
Coding change: c.546del on transcript NM_024675.4 (MANE Select); coding-DNA position 546, one base deleted (C; older notation c.546delC).
Protein change: p.Ser183fs; shifts the reading frame from serine 183.
Molecular consequence: frameshift variant.
Genome position (GRCh38, 1-based): chr16:23,636,000, G deleted on the plus strand (C on the coding strand, the reverse complement: PALB2 is on the minus strand). VCF-style (leftmost placement, unchanged base first): chr16-23635999-TG-T. GRCh37 (hg19) VCF-style: chr16-23647320-TG-T.
Other names: c.546delC (NM_024675.3); short protein forms S183fs.
Identifiers: ClinVar variation 492226 (VCV000492226.4), dbSNP rs1555461733, ClinGen allele CA658683923.
Genomic context (GRCh38, chr16:23,635,999, plus strand): 5'-TAAGACTTAAAAGGTGAGTTCTTATTTCAGTTACTGGTGATCTAGCAGGATTTTTGCTAC[TG>T]ATTTCTTCCTGTTCCTTTAGTCTTTTCCCAGACAATCTGAGTGAATCAGTGCCAAAGACA-3'

ClinVar aggregate classification (germline): Pathogenic (1 of 4 stars; one submission).

Conditions:
Hereditary cancer-predisposing syndrome. Also called: Hereditary neoplastic syndrome; Tumor predisposition; Hereditary Cancer Syndrome; Neoplastic Syndromes, Hereditary. Identifiers: Orphanet 140162, MedGen C0027672, MeSH D009386, MONDO:0015356.

Submission:

Color Diagnostics, LLC DBA Color Health
Classification: Pathogenic for Hereditary cancer-predisposing syndrome. Last evaluated: 2020-03-19. Review status: criteria provided, single submitter. Criteria: ACMG Guidelines, 2015. Collection method: clinical testing. Allele origin: germline.
Comment: This variant deletes 1 nucleotide in exon 4 of the PALB2 gene, creating a frameshift and premature translation stop signal. This variant is expected to result in an absent or non-functional protein product. To our knowledge, this variant has not been reported in individuals affected with hereditary cancer in the literature. This variant has not been identified in the general population by the Genome Aggregation Database (gnomAD). Loss of PALB2 function is a known mechanism of disease. Based on the available evidence, this variant is classified as Pathogenic.